The following is an entry in ClinVar:

NM_002225.5(IVD):c.678T>G (p.Ile226Met)

Gene: IVD (isovaleryl-CoA dehydrogenase; plus strand). Cytogenetic location: 15q15.1.
Variant type: single nucleotide variant.
Coding change: c.678T>G on transcript NM_002225.5 (MANE Select); coding-DNA position 678, T replaced by G.
Protein change: p.Ile226Met; replaces isoleucine 226 with methionine.
Molecular consequence: missense variant. On other transcripts: non-coding transcript variant (1).
Genome position (GRCh38, 1-based): chr15:40,411,682, T>G. VCF-style: chr15-40411682-T-G. GRCh37 (hg19) VCF-style: chr15-40703881-T-G.
Other names: c.588T>G, p.Ile196Met (NM_001159508.3); c.630T>G, p.Ile210Met (NM_001354597.3); c.678T>G, p.Ile226Met (NM_001354598.3, NM_001354601.3); c.765T>G, p.Ile255Met (NM_001354599.3, NM_001354600.3); short protein forms I255M, I210M, I196M, I226M.
Identifiers: ClinVar variation 937590 (VCV000937590.7), dbSNP rs1891104586, ClinGen allele CA391717936.
Genomic context (GRCh38, chr15:40,411,682, plus strand): 5'-TGTCTATGCCAAGACAGATCTGGCTGCTGTGCCAGCTTCTCGGGGCATCACAGCCTTCAT[T>G]GTGGAGAAGGTGAGTATAGGTGGGTGCAGGGCCAGGAGGCTTCTGCCTCCTGACAGTGGT-3'
Protein context (NP_002216.3, residues 216-236): VPASRGITAF[Ile226Met]VEKGMPGFST

ClinVar aggregate classification (germline): Uncertain significance (1 of 4 stars; one submission).

Conditions:
Isovaleryl-CoA dehydrogenase deficiency (IVA). Also called: Isovaleric acidemia; ISOVALERIC ACID CoA DEHYDROGENASE DEFICIENCY; Classic Isovaleric Acidemia; IVD DEFICIENCY. Identifiers: Orphanet 33, MedGen C0268575, MONDO:0009475, OMIM 243500.

Submission:

Labcorp Genetics (formerly Invitae), Labcorp
Classification: Uncertain significance for Isovaleryl-CoA dehydrogenase deficiency. Last evaluated: 2021-08-27. Review status: criteria provided, single submitter. Criteria: Invitae Variant Classification Sherloc (09022015). Collection method: clinical testing. Allele origin: germline.
Comment: This sequence change replaces isoleucine with methionine at codon 229 of the IVD protein (p.Ile229Met). The isoleucine residue is moderately conserved and there is a small physicochemical difference between isoleucine and methionine. This variant is not present in population databases (ExAC no frequency). This variant has not been reported in the literature in individuals affected with IVD-related conditions. Algorithms developed to predict the effect of missense changes on protein structure and function are either unavailable or do not agree on the potential impact of this missense change (SIFT: "Deleterious"; PolyPhen-2: "Possibly Damaging"; Align-GVGD: "Class C0"). In summary, the available evidence is currently insufficient to determine the role of this variant in disease. Therefore, it has been classified as a Variant of Uncertain Significance.